The following is an entry in ClinVar:

NM_004006.3(DMD):c.8547+18C>T

Gene: DMD (dystrophin; minus strand). Cytogenetic location: Xp21.2.
Variant type: single nucleotide variant.
Coding change: c.8547+18C>T on transcript NM_004006.3 (MANE Select); 18 bases into the intron after coding-DNA position 8547, C replaced by T.
Molecular consequence: intron variant.
Genome position (GRCh38, 1-based): chrX:31,496,770, G>A on the plus strand (C>T on the coding strand, the complement: DMD is on the minus strand). VCF-style: chrX-31496770-G-A. GRCh37 (hg19) VCF-style: chrX-31514887-G-A.
Other names: c.8523+18C>T (NM_000109.4); c.4524+18C>T (NM_004011.4); c.4515+18C>T (NM_004012.4); c.1167+18C>T (NM_004023.3, NM_004020.4, NM_004022.3 and 2 more transcripts); c.360+18C>T (NM_004014.3); c.8535+18C>T (NM_004009.3); c.8178+18C>T (NM_004010.3).
Identifiers: ClinVar variation 387394 (VCV000387394.7), dbSNP rs755142909, ClinGen allele CA10378053.

ClinVar aggregate classification (germline): Benign/Likely benign. Review status: criteria provided, multiple submitters, no conflicts (2 of 4 stars). 3 submissions from 3 submitters: Benign (1); Likely benign (1). 1 of the submissions does not count toward it. Last evaluated 2026-01-28.

Conditions:
Duchenne muscular dystrophy (DMD). Also called: MUSCULAR DYSTROPHY, PSEUDOHYPERTROPHIC PROGRESSIVE, DUCHENNE TYPE; Duchenne Muscular Dystrophy (DMD). Identifiers: Orphanet 98896, MedGen C0013264, MONDO:0010679, OMIM 310200.
Becker muscular dystrophy (BMD). Also called: MUSCULAR DYSTROPHY, PSEUDOHYPERTROPHIC PROGRESSIVE, BECKER TYPE; Becker Muscular Dystrophy (BMD). Identifiers: Orphanet 98895, MedGen C0917713, MONDO:0010311, OMIM 300376.
Cardiomyopathy (CMYO). Also called: Cardiomyopathies. Identifiers: Orphanet 167848, MedGen C0878544, MONDO:0004994, HP:0001638. Inheritance: Various modes of inheritance.
Dystrophin deficiency.

Allele frequency attached by ClinVar (database versions not stated): gnomAD below 0.00001 and 0.00003; TOPMed below 0.00001; gnomAD exomes 0.00005 and 0.00009; ExAC 0.00015; 1000 Genomes Project 30x 0.00021; 1000 Genomes Project 0.00026.

Submissions (3):

Labcorp Genetics (formerly Invitae), Labcorp
Classification: Benign for Duchenne muscular dystrophy. Last evaluated: 2026-01-28. Review status: criteria provided, single submitter. Criteria: Invitae Variant Classification Sherloc (09022015). Collection method: clinical testing. Allele origin: germline.

GeneDx
Classification: Likely benign. Last evaluated: 2016-07-07. Review status: criteria provided, single submitter. Criteria: GeneDx Variant Classification (06012015). Collection method: clinical testing. Allele origin: germline. Affected: yes.
Comment: This variant is considered likely benign or benign based on one or more of the following criteria: it is a conservative change, it occurs at a poorly conserved position in the protein, it is predicted to be benign by multiple in silico algorithms, and/or has population frequency not consistent with disease.

Natera, Inc.
Classification: Likely benign for Becker muscular dystrophy; Cardiomyopathy; Duchenne muscular dystrophy; Dystrophin deficiency. Last evaluated: 2019-07-10. Review status: no assertion criteria provided. Collection method: clinical testing. Allele origin: germline. Not counted in ClinVar's aggregate classification.